The following is an entry in ClinVar:

ClinVar aggregate classification (germline): Likely benign. Review status: criteria provided, single submitter (1 of 4 stars). 2 submissions from 2 submitters: Likely benign (1). 1 of the submissions does not count toward it. Last evaluated 2026-01-19.

Conditions:
PIGO-related disorder. Also called: PIGO-related condition.
Hyperphosphatasia with impaired intellectual development syndrome 2. Also called: GLYCOSYLPHOSPHATIDYLINOSITOL BIOSYNTHESIS DEFECT 6; Hyperphosphatasia with intellectual disability syndrome 2. Identifiers: Orphanet 247262, MedGen C3553637, MONDO:0013882, OMIM 614749.

Allele frequency attached by ClinVar (database versions not stated): gnomAD exomes 0.00004 and 0.00015; gnomAD 0.00003 and 0.00002; TOPMed 0.00011; ExAC 0.00014.

Submissions (2):

Labcorp Genetics (formerly Invitae), Labcorp
Classification: Likely benign for Hyperphosphatasia with impaired intellectual development syndrome 2. Last evaluated: 2026-01-19. Review status: criteria provided, single submitter. Criteria: Invitae Variant Classification Sherloc (09022015). Collection method: clinical testing. Allele origin: germline.

PreventionGenetics, part of Exact Sciences
Classification: Likely benign for PIGO-related condition. Last evaluated: 2022-03-07. Review status: no assertion criteria provided. Collection method: clinical testing. Allele origin: germline. Not counted in ClinVar's aggregate classification.
Comment: This variant is classified as likely benign based on ACMG/AMP sequence variant interpretation guidelines (Richards et al. 2015 PMID: 25741868, with internal and published modifications).

NM_032634.4(PIGO):c.1918C>T (p.Arg640Cys)

Gene: PIGO (phosphatidylinositol glycan anchor biosynthesis class O; minus strand). Cytogenetic location: 9p13.3.
Variant type: single nucleotide variant.
Coding change: c.1918C>T on transcript NM_032634.4 (MANE Select); coding-DNA position 1918, C replaced by T.
Protein change: p.Arg640Cys; replaces arginine 640 with cysteine.
Molecular consequence: missense variant. On other transcripts: intron variant (2).
Genome position (GRCh38, 1-based): chr9:35,091,969, G>A on the plus strand (C>T on the coding strand, the complement: PIGO is on the minus strand). VCF-style: chr9-35091969-G-A. GRCh37 (hg19) VCF-style: chr9-35091966-G-A.
Other names: c.1344+574C>T (NM_152850.4, NM_001201484.2); short protein forms R640C.
Identifiers: ClinVar variation 473219 (VCV000473219.10), dbSNP rs552540556, ClinGen allele CA5040542.